The following is an entry in ClinVar:

NM_001014.5(RPS10):c.444C>T (p.Thr148=)

Genes: RPS10 (ribosomal protein S10; minus strand), RPS10-NUDT3 (RPS10-NUDT3 readthrough; minus strand). Cytogenetic location: 6p21.31.
Variant type: single nucleotide variant.
Coding change: c.444C>T on transcript NM_001014.5 (MANE Select); coding-DNA position 444, C replaced by T.
Protein change: p.Thr148=; no amino-acid change (threonine 148 retained).
Molecular consequence: synonymous variant.
Genome position (GRCh38, 1-based): chr6:34,418,381, G>A on the plus strand (C>T on the coding strand, the complement: RPS10 is on the minus strand). VCF-style: chr6-34418381-G-A. GRCh37 (hg19) VCF-style: chr6-34386158-G-A.
Other names: c.444C>T (NM_001203245.2); c.444C>T, p.Thr148= (NM_001202470.3, NM_001203245.3, NM_001204091.2).
Identifiers: ClinVar variation 1336843 (VCV001336843.14), dbSNP rs149897629, ClinGen allele CA3765013.

ClinVar aggregate classification (germline): Benign/Likely benign. Review status: criteria provided, multiple submitters, no conflicts (2 of 4 stars). 4 submissions from 4 submitters: Benign (1); Likely benign (3). Last evaluated 2026-02-02.

Conditions:
Diamond-Blackfan anemia 9 (DBA9). Also called: RPS10-Related Diamond-Blackfan Anemia. Identifiers: Orphanet 124, MedGen C2750081, MONDO:0013216, OMIM 613308.
RPS10-related disorder. Also called: RPS10-related condition.
Diamond-Blackfan anemia. Also called: Blackfan Diamond syndrome; Aregenerative anemia chronic congenital; Red cell aplasia, pure hereditary; Congenital hypoplastic anemia; Aase syndrome. Identifiers: Orphanet 124, MedGen C1260899, MeSH D029503, MONDO:0015253, HP:0004810.

Allele frequency attached by ClinVar (database versions not stated): 1000 Genomes Project 30x 0.00062; gnomAD exomes 0.00006 and 0.00012; ExAC 0.00014; ESP Exome Variant Server 0.00023; gnomAD 0.00025 and 0.00028; TOPMed 0.00035; 1000 Genomes Project 0.00060.
gnomAD v4.1: 122 of 1,614,126 alleles (0.0076%); highest among the groups gnomAD compares: African/African-American, 0.089%; no homozygotes.

Submissions (4):

Labcorp Genetics (formerly Invitae), Labcorp
Classification: Benign for Diamond-Blackfan anemia. Last evaluated: 2026-02-02. Review status: criteria provided, single submitter. Criteria: Invitae Variant Classification Sherloc (09022015). Collection method: clinical testing. Allele origin: germline.

PreventionGenetics, part of Exact Sciences
Classification: Likely benign for RPS10-related condition. Last evaluated: 2026-01-22. Review status: criteria provided, single submitter. Criteria: ACMG Guidelines, 2015. Collection method: clinical testing. Allele origin: germline.
Comment: This variant is classified as likely benign based on ACMG/AMP sequence variant interpretation guidelines (Richards et al. 2015 PMID: 25741868, with internal and published modifications).

Fulgent Genetics
Classification: Likely benign for Diamond-Blackfan anemia 9. Last evaluated: 2021-10-04. Review status: criteria provided, single submitter. Criteria: ACMG Guidelines, 2015. Collection method: clinical testing. Allele origin: unknown.

Genetic Services Laboratory, University of Chicago
Classification: Likely benign. Last evaluated: 2018-08-30. Review status: criteria provided, single submitter. Criteria: ACMG Guidelines, 2015. Collection method: clinical testing. Allele origin: germline. Affected: no.